The following is an entry in ClinVar:

NM_001378454.1(ALMS1):c.2292C>G (p.Tyr764Ter)

Gene: ALMS1 (ALMS1 centrosome and basal body associated protein; plus strand). Cytogenetic location: 2p13.1.
Variant type: single nucleotide variant.
Coding change: c.2292C>G on transcript NM_001378454.1 (MANE Select); coding-DNA position 2292, C replaced by G.
Protein change: p.Tyr764Ter; replaces tyrosine 764 with a stop codon.
Molecular consequence: nonsense.
Genome position (GRCh38, 1-based): chr2:73,448,819, C>G. VCF-style: chr2-73448819-C-G. GRCh37 (hg19) VCF-style: chr2-73675946-C-G.
Other names: c.2295C>G, p.Tyr765Ter (NM_015120.4); short protein forms Y765*, Y764*.
Identifiers: ClinVar variation 2035756 (VCV002035756.4), dbSNP rs774724720, ClinGen allele CA347267571.

ClinVar aggregate classification (germline): Pathogenic (1 of 4 stars; one submission).

Conditions:
Alstrom syndrome (ALMS). Identifiers: Orphanet 64, MedGen C0268425, MONDO:0008763, OMIM 203800.

Allele frequency attached by ClinVar (database versions not stated): gnomAD 0.00001.
gnomAD v4.1: 1 of 1,613,882 alleles (0.000062%); highest among the groups gnomAD compares: East Asian, 0.0022%; no homozygotes.

Submission:

Labcorp Genetics (formerly Invitae), Labcorp
Classification: Pathogenic for Alstrom syndrome. Last evaluated: 2022-10-16. Review status: criteria provided, single submitter. Criteria: Invitae Variant Classification Sherloc (09022015). Collection method: clinical testing. Allele origin: germline.
Comment: For these reasons, this variant has been classified as Pathogenic. This variant has not been reported in the literature in individuals affected with ALMS1-related conditions. This variant is present in population databases (no rsID available, gnomAD 0.06%). This sequence change creates a premature translational stop signal (p.Tyr765*) in the ALMS1 gene. It is expected to result in an absent or disrupted protein product. Loss-of-function variants in ALMS1 are known to be pathogenic (PMID: 17594715).

Literature cited by the submitters: PubMed 17594715.